The following is an entry in ClinVar:

ClinVar aggregate classification (germline): Conflicting classifications of pathogenicity. Review status: criteria provided, conflicting classifications (1 of 4 stars). 2 submissions from 2 submitters: Uncertain significance (1); Likely benign (1). Last evaluated 2025-12-21.

Conditions:
Inborn genetic diseases. Identifiers: MedGen C0950123, MeSH D030342.
Mosaic variegated aneuploidy syndrome 2 (MVA2). Identifiers: Orphanet 1052, MedGen C3279843, MONDO:0013582, OMIM 614114.

Allele frequency attached by ClinVar (database versions not stated): gnomAD exomes below 0.00001; TOPMed below 0.00001; ExAC 0.00001; gnomAD 0.00001.
gnomAD v4.1: 5 of 1,605,188 alleles (0.00031%); highest among the groups gnomAD compares: Non-Finnish European, 0.00034%; no homozygotes.

Submissions (2):

Labcorp Genetics (formerly Invitae), Labcorp
Classification: Uncertain significance for Mosaic variegated aneuploidy syndrome 2. Last evaluated: 2025-12-21. Review status: criteria provided, single submitter. Criteria: Invitae Variant Classification Sherloc (09022015). Collection method: clinical testing. Allele origin: germline.
Comment: This sequence change affects codon 425 of the CEP57 mRNA. It is a 'silent' change, meaning that it does not change the encoded amino acid sequence of the CEP57 protein. It affects a nucleotide within the consensus splice site. This variant is not present in population databases (gnomAD no frequency). This variant has not been reported in the literature in individuals affected with CEP57-related conditions. ClinVar contains an entry for this variant (Variation ID: 575506). Algorithms developed to predict the effect of sequence changes on RNA splicing suggest that this variant is not likely to affect RNA splicing. In summary, the available evidence is currently insufficient to determine the role of this variant in disease. Therefore, it has been classified as a Variant of Uncertain Significance.

Ambry Genetics
Classification: Likely benign for Inborn genetic diseases. Last evaluated: 2025-04-17. Review status: criteria provided, single submitter. Criteria: Ambry Variant Classification Scheme 2023. Collection method: clinical testing. Allele origin: germline.

NM_014679.5(CEP57):c.1273C>T (p.Leu425=)

Gene: CEP57 (centrosomal protein 57; plus strand). Cytogenetic location: 11q21.
Variant type: single nucleotide variant.
Coding change: c.1273C>T on transcript NM_014679.5 (MANE Select); coding-DNA position 1273, C replaced by T.
Protein change: p.Leu425=; no amino-acid change (leucine 425 retained).
Molecular consequence: synonymous variant.
Genome position (GRCh38, 1-based): chr11:95,831,026, C>T. VCF-style: chr11-95831026-C-T. GRCh37 (hg19) VCF-style: chr11-95564190-C-T.
Other names: c.1246C>T, p.Leu416= (NM_001243776.2); c.1195C>T, p.Leu399= (NM_001243777.2); c.1192C>T, p.Leu398= (NM_001363604.2).
Identifiers: ClinVar variation 575506 (VCV000575506.9), dbSNP rs758465541, ClinGen allele CA6239769.